The following is an entry in ClinVar:

ClinVar aggregate classification (germline): Uncertain significance. Review status: criteria provided, multiple submitters, no conflicts (2 of 4 stars). 2 submissions from 2 submitters: Uncertain significance (2). Last evaluated 2025-07-28.

Conditions:
Pyogenic arthritis-pyoderma gangrenosum-acne syndrome (PAPA). Also called: FAMILIAL RECURRENT ARTHRITIS; PAPA SYNDROME. Identifiers: Orphanet 69126, MedGen C1858361, MONDO:0011462, OMIM 604416.

Submissions (2):

GeneDx
Classification: Uncertain significance. Last evaluated: 2025-07-28. Review status: criteria provided, single submitter. Criteria: GeneDx Variant Classification Process June 2021. Collection method: clinical testing. Allele origin: germline. Affected: yes.
Comment: Not observed at significant frequency in large population cohorts (gnomAD); Nonsense variant predicted to result in protein truncation or nonsense mediated decay in a gene or region of a gene for which loss of function is not a well-established mechanism of disease; Has not been previously published as pathogenic or benign to our knowledge

Labcorp Genetics (formerly Invitae), Labcorp
Classification: Uncertain significance for Pyogenic arthritis-pyoderma gangrenosum-acne syndrome. Last evaluated: 2019-03-30. Review status: criteria provided, single submitter. Criteria: Invitae Variant Classification Sherloc (09022015). Collection method: clinical testing. Allele origin: germline.
Comment: In summary, the available evidence is currently insufficient to determine the role of this variant in disease. Therefore, it has been classified as a Variant of Uncertain Significance. The current clinical and genetic evidence is not sufficient to establish whether loss-of-function variants in PSTPIP1 cause disease. This variant has not been reported in the literature in individuals with PSTPIP1-related conditions. This variant is not present in population databases (ExAC no frequency). This sequence change creates a premature translational stop signal (p.Cys213*) in the PSTPIP1 gene. It is expected to result in an absent or disrupted protein product.

NM_003978.5(PSTPIP1):c.639T>A (p.Cys213Ter)

Gene: PSTPIP1 (proline-serine-threonine phosphatase interacting protein 1; plus strand). Cytogenetic location: 15q24.3.
Variant type: single nucleotide variant.
Coding change: c.639T>A on transcript NM_003978.5 (MANE Select); coding-DNA position 639, T replaced by A.
Protein change: p.Cys213Ter; replaces cysteine 213 with a stop codon.
Molecular consequence: nonsense.
Genome position (GRCh38, 1-based): chr15:77,030,578, T>A. VCF-style: chr15-77030578-T-A. GRCh37 (hg19) VCF-style: chr15-77322919-T-A.
Other names: c.639T>A, p.Cys213Ter (NM_001321135.2); c.612T>A, p.Cys204Ter (NM_001321136.2); c.834T>A, p.Cys278Ter (NM_001321137.1); short protein forms C213*, C278*, C204*.
Identifiers: ClinVar variation 840401 (VCV000840401.8), dbSNP rs2076390490, ClinGen allele CA393520786.